The following is an entry in ClinVar:

ClinVar aggregate classification (germline): Uncertain significance (1 of 4 stars; one submission).

Conditions:
Catecholaminergic polymorphic ventricular tachycardia 1. Also called: VENTRICULAR TACHYCARDIA, CATECHOLAMINERGIC POLYMORPHIC, 1, WITH OR WITHOUT ATRIAL DYSFUNCTION AND/OR DILATED CARDIOMYOPATHY; RYR2-Related Catecholaminergic Polymorphic Ventricular Tachycardia; VENTRICULAR TACHYCARDIA, STRESS-INDUCED POLYMORPHIC 1. Identifiers: Orphanet 3286, MedGen C1631597, MONDO:0011484, OMIM 604772.

Submission:

Labcorp Genetics (formerly Invitae), Labcorp
Classification: Uncertain significance for Catecholaminergic polymorphic ventricular tachycardia 1. Last evaluated: 2022-01-11. Review status: criteria provided, single submitter. Criteria: Invitae Variant Classification Sherloc (09022015). Collection method: clinical testing. Allele origin: germline.
Comment: In summary, the available evidence is currently insufficient to determine the role of this variant in disease. Therefore, it has been classified as a Variant of Uncertain Significance. Advanced modeling of protein sequence and biophysical properties (such as structural, functional, and spatial information, amino acid conservation, physicochemical variation, residue mobility, and thermodynamic stability) performed at Invitae indicates that this missense variant is expected to disrupt RYR2 protein function. This variant has not been reported in the literature in individuals affected with RYR2-related conditions. This variant is not present in population databases (gnomAD no frequency). This sequence change replaces methionine, which is neutral and non-polar, with threonine, which is neutral and polar, at codon 2248 of the RYR2 protein (p.Met2248Thr).

NM_001035.3(RYR2):c.6743T>C (p.Met2248Thr)

Gene: RYR2 (ryanodine receptor 2; plus strand). Cytogenetic location: 1q43.
Variant type: single nucleotide variant.
Coding change: c.6743T>C on transcript NM_001035.3 (MANE Select); coding-DNA position 6743, T replaced by C.
Protein change: p.Met2248Thr; replaces methionine 2248 with threonine.
Molecular consequence: missense variant.
Genome position (GRCh38, 1-based): chr1:237,634,943, T>C. VCF-style: chr1-237634943-T-C. GRCh37 (hg19) VCF-style: chr1-237798243-T-C.
Other names: short protein forms M2248T.
Identifiers: ClinVar variation 2080562 (VCV002080562.4), dbSNP rs2546937181, ClinGen allele CA345394691.